The following is an entry in ClinVar:

NM_001105206.3(LAMA4):c.2994C>A (p.Asn998Lys)

Gene: LAMA4 (laminin subunit alpha 4; minus strand). Cytogenetic location: 6q21.
Variant type: single nucleotide variant.
Coding change: c.2994C>A on transcript NM_001105206.3 (MANE Select); coding-DNA position 2994, C replaced by A.
Protein change: p.Asn998Lys; replaces asparagine 998 with lysine.
Molecular consequence: missense variant.
Genome position (GRCh38, 1-based): chr6:112,139,868, G>T on the plus strand (C>A on the coding strand, the complement: LAMA4 is on the minus strand). VCF-style: chr6-112139868-G-T. GRCh37 (hg19) VCF-style: chr6-112461070-G-T.
Other names: c.2973C>A, p.Asn991Lys (NM_001105207.3, NM_002290.5); c.2973C>A (NM_002290.3); short protein forms N998K, N991K.
Identifiers: ClinVar variation 849314 (VCV000849314.10), dbSNP rs782063568, ClinGen allele CA3965336.
Genomic context (GRCh38, chr6:112,139,868, plus strand): 5'-CAAGCTGATCACATCATTATTCAAAGTGGCCAGTTCCAGGCAGCCAACAAAGCCAGGCAG[G>T]TTTAAGCTGGTAGGGAGCTATGCAATAGAAAAAGTAAAACCACTTGTCTCATGGTCATAT-3'
Protein context (NP_001098676.2, residues 988-1008): PSNFKLPTSL[Asn998Lys]LPGFVGCLEL

ClinVar aggregate classification (germline): Uncertain significance. Review status: criteria provided, multiple submitters, no conflicts (2 of 4 stars). 2 submissions from 2 submitters: Uncertain significance (2). Last evaluated 2024-03-14.

Conditions:
Cardiovascular phenotype. Identifiers: MedGen CN230736.
Dilated cardiomyopathy 1JJ (CMD1JJ). Identifiers: Orphanet 154, MedGen C3808935, MONDO:0014095, OMIM 615235.

Allele frequency attached by ClinVar (database versions not stated): ExAC 0.00001; gnomAD 0.00001; gnomAD exomes 0.00001; TOPMed 0.00001.
gnomAD v4.1: 4 of 1,613,946 alleles (0.00025%); highest among the groups gnomAD compares: Admixed American, 0.005%; no homozygotes.

Submissions (2):

Ambry Genetics
Classification: Uncertain significance for Cardiovascular phenotype. Last evaluated: 2024-03-14. Review status: criteria provided, single submitter. Criteria: Ambry Variant Classification Scheme 2023. Collection method: clinical testing. Allele origin: germline.
Comment: The p.N991K variant (also known as c.2973C>A), located in coding exon 22 of the LAMA4 gene, results from a C to A substitution at nucleotide position 2973. The asparagine at codon 991 is replaced by lysine, an amino acid with similar properties. This amino acid position is conserved. In addition, this alteration is predicted to be tolerated by in silico analysis. Based on the available evidence, the clinical significance of this alteration remains unclear.

Labcorp Genetics (formerly Invitae), Labcorp
Classification: Uncertain significance for Dilated cardiomyopathy 1JJ. Last evaluated: 2024-01-03. Review status: criteria provided, single submitter. Criteria: Invitae Variant Classification Sherloc (09022015). Collection method: clinical testing. Allele origin: germline.
Comment: This sequence change replaces asparagine, which is neutral and polar, with lysine, which is basic and polar, at codon 991 of the LAMA4 protein (p.Asn991Lys). This variant is present in population databases (rs782063568, gnomAD 0.01%). This variant has not been reported in the literature in individuals affected with LAMA4-related conditions. ClinVar contains an entry for this variant (Variation ID: 849314). An algorithm developed to predict the effect of missense changes on protein structure and function (PolyPhen-2) suggests that this variant is likely to be disruptive. In summary, the available evidence is currently insufficient to determine the role of this variant in disease. Therefore, it has been classified as a Variant of Uncertain Significance.